The following is an entry in ClinVar:

ClinVar aggregate classification (germline): Uncertain significance (1 of 4 stars; one submission).

Conditions:
Ehlers-Danlos syndrome, classic type, 1 (EDSCL1). Also called: EHLERS-DANLOS SYNDROME, GRAVIS TYPE; EHLERS-DANLOS SYNDROME, SEVERE CLASSIC TYPE; Ehlers-Danlos syndrome, type 1; Ehlers-Danlos Syndrome, Classic Type, COL5A1-Related; EDS I. Identifiers: MedGen C0268335, MONDO:0019567, OMIM 130000.

gnomAD v4.1: 11 of 1,612,896 alleles (0.00068%); highest among the groups gnomAD compares: East Asian, 0.013%; no homozygotes.

Submission:

Labcorp Genetics (formerly Invitae), Labcorp
Classification: Uncertain significance for Ehlers-Danlos syndrome, classic type, 1. Last evaluated: 2025-01-19. Review status: criteria provided, single submitter. Criteria: Invitae Variant Classification Sherloc (09022015). Collection method: clinical testing. Allele origin: germline.
Comment: This sequence change replaces proline, which is neutral and non-polar, with serine, which is neutral and polar, at codon 467 of the COL5A2 protein (p.Pro467Ser). This variant is present in population databases (rs758078203, gnomAD 0.006%). This variant has not been reported in the literature in individuals affected with COL5A2-related conditions. An algorithm developed to predict the effect of missense changes on protein structure and function outputs the following: PolyPhen-2: "Benign". The serine amino acid residue is found in multiple mammalian species, which suggests that this missense change does not adversely affect protein function. In summary, the available evidence is currently insufficient to determine the role of this variant in disease. Therefore, it has been classified as a Variant of Uncertain Significance.

NM_000393.5(COL5A2):c.1399C>T (p.Pro467Ser)

Gene: COL5A2 (collagen type V alpha 2 chain; minus strand). Cytogenetic location: 2q32.2.
Variant type: single nucleotide variant.
Coding change: c.1399C>T on transcript NM_000393.5 (MANE Select); coding-DNA position 1399, C replaced by T.
Protein change: p.Pro467Ser; replaces proline 467 with serine.
Molecular consequence: missense variant.
Genome position (GRCh38, 1-based): chr2:189,068,017, G>A on the plus strand (C>T on the coding strand, the complement: COL5A2 is on the minus strand). VCF-style: chr2-189068017-G-A. GRCh37 (hg19) VCF-style: chr2-189932743-G-A.
Other names: short protein forms P467S.
Identifiers: ClinVar variation 3689860 (VCV003689860.2).